The following is an entry in ClinVar:

ClinVar aggregate classification (germline): Uncertain significance (1 of 4 stars; one submission).

gnomAD v4.1: 71 of 1,588,764 alleles (0.0045%); highest among the groups gnomAD compares: Middle Eastern, 0.017%; no homozygotes.

Submission:

GeneDx
Classification: Uncertain significance. Last evaluated: 2026-02-24. Review status: criteria provided, single submitter. Criteria: GeneDx Variant Classification Process June 2021. Collection method: clinical testing. Allele origin: germline.
Comment: In silico analysis supports that this missense variant has a deleterious effect on protein structure/function; Has not been previously published as pathogenic or benign to our knowledge

NM_015656.2(KIF26A):c.3914C>T (p.Pro1305Leu)

Gene: KIF26A (kinesin family member 26A; plus strand). Cytogenetic location: 14q32.33.
Variant type: single nucleotide variant.
Coding change: c.3914C>T on transcript NM_015656.2 (MANE Select); coding-DNA position 3914, C replaced by T.
Protein change: p.Pro1305Leu; replaces proline 1305 with leucine.
Molecular consequence: missense variant.
Genome position (GRCh38, 1-based): chr14:104,176,702, C>T. VCF-style: chr14-104176702-C-T. GRCh37 (hg19) VCF-style: chr14-104643039-C-T.
Other names: short protein forms P1305L.
Identifiers: ClinVar variation 5010073 (VCV005010073.1).